The following is an entry in ClinVar:

NM_001035.3(RYR2):c.6632A>C (p.Gln2211Pro)

Gene: RYR2 (ryanodine receptor 2; plus strand). Cytogenetic location: 1q43.
Variant type: single nucleotide variant.
Coding change: c.6632A>C on transcript NM_001035.3 (MANE Select); coding-DNA position 6632, A replaced by C.
Protein change: p.Gln2211Pro; replaces glutamine 2211 with proline.
Molecular consequence: missense variant.
Genome position (GRCh38, 1-based): chr1:237,633,654, A>C. VCF-style: chr1-237633654-A-C. GRCh37 (hg19) VCF-style: chr1-237796954-A-C.
Other names: short protein forms Q2211P.
Identifiers: ClinVar variation 2018903 (VCV002018903.4), dbSNP rs2546926824, ClinGen allele CA345394195.

ClinVar aggregate classification (germline): Pathogenic (1 of 4 stars; one submission).

Conditions:
Catecholaminergic polymorphic ventricular tachycardia 1. Also called: VENTRICULAR TACHYCARDIA, CATECHOLAMINERGIC POLYMORPHIC, 1, WITH OR WITHOUT ATRIAL DYSFUNCTION AND/OR DILATED CARDIOMYOPATHY; RYR2-Related Catecholaminergic Polymorphic Ventricular Tachycardia; VENTRICULAR TACHYCARDIA, STRESS-INDUCED POLYMORPHIC 1. Identifiers: Orphanet 3286, MedGen C1631597, MONDO:0011484, OMIM 604772.

Submission:

Labcorp Genetics (formerly Invitae), Labcorp
Classification: Pathogenic for Catecholaminergic polymorphic ventricular tachycardia 1. Last evaluated: 2022-10-07. Review status: criteria provided, single submitter. Criteria: Invitae Variant Classification Sherloc (09022015). Collection method: clinical testing. Allele origin: germline.
Comment: For these reasons, this variant has been classified as Pathogenic. Advanced modeling of protein sequence and biophysical properties (such as structural, functional, and spatial information, amino acid conservation, physicochemical variation, residue mobility, and thermodynamic stability) performed at Invitae indicates that this missense variant is expected to disrupt RYR2 protein function. This missense change has been observed in individual(s) with catecholaminergic polymorphic ventricular tachycardia (Invitae). In at least one individual the variant was observed to be de novo. This variant is not present in population databases (gnomAD no frequency). This sequence change replaces glutamine, which is neutral and polar, with proline, which is neutral and non-polar, at codon 2211 of the RYR2 protein (p.Gln2211Pro).